The following is an entry in ClinVar:

NM_015047.3(EMC1):c.2561G>A (p.Arg854Gln)

Genes: EMC1-AS1 (EMC1 antisense RNA 1; plus strand), EMC1 (ER membrane protein complex subunit 1; minus strand). Cytogenetic location: 1p36.13.
Variant type: single nucleotide variant.
Coding change: c.2561G>A on transcript NM_015047.3 (MANE Select); coding-DNA position 2561, G replaced by A.
Protein change: p.Arg854Gln; replaces arginine 854 with glutamine.
Molecular consequence: missense variant.
Genome position (GRCh38, 1-based): chr1:19,222,650, C>T on the plus strand (G>A on the coding strand, the complement: EMC1 is on the minus strand). VCF-style: chr1-19222650-C-T. GRCh37 (hg19) VCF-style: chr1-19549144-C-T.
Other names: c.2561G>A (NM_015047.2, NM_015047.1); c.2558G>A, p.Arg853Gln (NM_001271427.2, NM_001271428.2); c.2495G>A, p.Arg832Gln (NM_001271429.2); c.2570G>A, p.Arg857Gln (NM_001375820.1); c.2567G>A, p.Arg856Gln (NM_001375821.1); short protein forms R857Q, R853Q, R832Q, R854Q, R856Q.
Identifiers: ClinVar variation 1933483 (VCV001933483.8), dbSNP rs778393984, ClinGen allele CA18810200.

ClinVar aggregate classification (germline): Uncertain significance. Review status: criteria provided, multiple submitters, no conflicts (2 of 4 stars). 3 submissions from 3 submitters: Uncertain significance (3). Last evaluated 2026-05-05.

Conditions:
Inborn genetic diseases. Identifiers: MedGen C0950123, MeSH D030342.

Allele frequency attached by ClinVar (database versions not stated): TOPMed below 0.00001; gnomAD 0.00001; gnomAD exomes 0.00003.
gnomAD v4.1: 48 of 1,613,878 alleles (0.003%); highest among the groups gnomAD compares: Non-Finnish European, 0.0038%; no homozygotes.

Submissions (3):

GeneDx
Classification: Uncertain significance. Last evaluated: 2026-05-05. Review status: criteria provided, single submitter. Criteria: GeneDx Variant Classification Process June 2021. Collection method: clinical testing. Allele origin: germline.
Comment: Not observed at significant frequency in large population cohorts (gnomAD); In silico analysis suggests that this missense variant does not alter protein structure/function; Has not been previously published as pathogenic or benign to our knowledge

Labcorp Genetics (formerly Invitae), Labcorp
Classification: Uncertain significance. Last evaluated: 2025-08-18. Review status: criteria provided, single submitter. Criteria: Invitae Variant Classification Sherloc (09022015). Collection method: clinical testing. Allele origin: germline.
Comment: This sequence change replaces arginine, which is basic and polar, with glutamine, which is neutral and polar, at codon 854 of the EMC1 protein (p.Arg854Gln). This variant is present in population databases (rs778393984, gnomAD 0.004%). This variant has not been reported in the literature in individuals affected with EMC1-related conditions. ClinVar contains an entry for this variant (Variation ID: 1933483). Invitae Evidence Modeling of protein sequence and biophysical properties (such as structural, functional, and spatial information, amino acid conservation, physicochemical variation, residue mobility, and thermodynamic stability) indicates that this missense variant is not expected to disrupt EMC1 protein function with a negative predictive value of 80%. In summary, the available evidence is currently insufficient to determine the role of this variant in disease. Therefore, it has been classified as a Variant of Uncertain Significance.

Ambry Genetics
Classification: Uncertain significance for Inborn genetic diseases. Last evaluated: 2025-06-25. Review status: criteria provided, single submitter. Criteria: Ambry Variant Classification Scheme 2023. Collection method: clinical testing. Allele origin: germline.